The following is an entry in ClinVar:

NM_024675.4(PALB2):c.623A>C (p.Asp208Ala)

Gene: PALB2 (partner and localizer of BRCA2; minus strand). Cytogenetic location: 16p12.2.
Variant type: single nucleotide variant.
Coding change: c.623A>C on transcript NM_024675.4 (MANE Select); coding-DNA position 623, A replaced by C.
Protein change: p.Asp208Ala; replaces aspartic acid 208 with alanine.
Molecular consequence: missense variant.
Genome position (GRCh38, 1-based): chr16:23,635,923, T>G on the plus strand (A>C on the coding strand, the complement: PALB2 is on the minus strand). VCF-style: chr16-23635923-T-G. GRCh37 (hg19) VCF-style: chr16-23647244-T-G.
Other names: short protein forms D208A.
Identifiers: ClinVar variation 530182 (VCV000530182.9), dbSNP rs1555461702, ClinGen allele CA395136610.

ClinVar aggregate classification (germline): Uncertain significance (1 of 4 stars; one submission).

Conditions:
Familial cancer of breast. Also called: BREAST CANCER, FAMILIAL; Hereditary breast cancer; hereditary breast carcinoma. Identifiers: Orphanet 227535, MedGen C0346153, MONDO:0016419, OMIM 114480. Disease mechanism: loss of function.

Submission:

Labcorp Genetics (formerly Invitae), Labcorp
Classification: Uncertain significance for Familial cancer of breast. Last evaluated: 2025-11-25. Review status: criteria provided, single submitter. Criteria: Invitae Variant Classification Sherloc (09022015). Collection method: clinical testing. Allele origin: germline.
Comment: This sequence change replaces aspartic acid, which is acidic and polar, with alanine, which is neutral and non-polar, at codon 208 of the PALB2 protein (p.Asp208Ala). This variant is not present in population databases (gnomAD no frequency). This variant has not been reported in the literature in individuals affected with PALB2-related conditions. ClinVar contains an entry for this variant (Variation ID: 530182). An algorithm developed to predict the effect of missense changes on protein structure and function (PolyPhen-2) suggests that this variant is likely to be tolerated. In summary, the available evidence is currently insufficient to determine the role of this variant in disease. Therefore, it has been classified as a Variant of Uncertain Significance.